The following is an entry in ClinVar:

NM_022051.3(EGLN1):c.774G>A (p.Trp258Ter)

Gene: EGLN1 (egl-9 family hypoxia inducible factor 1; minus strand). Cytogenetic location: 1q42.2.
Variant type: single nucleotide variant.
Coding change: c.774G>A on transcript NM_022051.3 (MANE Select); coding-DNA position 774, G replaced by A.
Protein change: p.Trp258Ter; replaces tryptophan 258 with a stop codon.
Molecular consequence: nonsense.
Genome position (GRCh38, 1-based): chr1:231,421,115, C>T on the plus strand (G>A on the coding strand, the complement: EGLN1 is on the minus strand). VCF-style: chr1-231421115-C-T. GRCh37 (hg19) VCF-style: chr1-231556861-C-T.
Other names: c.774G>A, p.Trp258Ter (NM_001377260.1, NM_001377261.1); short protein forms W258*.
Identifiers: ClinVar variation 2901944 (VCV002901944.3), dbSNP rs2527358629, ClinGen allele CA345235339.

ClinVar aggregate classification (germline): Pathogenic (1 of 4 stars; one submission).

Conditions:
Erythrocytosis, familial, 3 (ECYT3). Identifiers: Orphanet 247511, MedGen C1853286, MONDO:0012353, OMIM 609820.

Submission:

Labcorp Genetics (formerly Invitae), Labcorp
Classification: Pathogenic for Erythrocytosis, familial, 3. Last evaluated: 2024-06-25. Review status: criteria provided, single submitter. Criteria: Invitae Variant Classification Sherloc (09022015). Collection method: clinical testing. Allele origin: germline.
Comment: This sequence change creates a premature translational stop signal (p.Trp258*) in the EGLN1 gene. It is expected to result in an absent or disrupted protein product. Loss-of-function variants in EGLN1 are known to be pathogenic (PMID: 17933562, 21933857). This variant is not present in population databases (gnomAD no frequency). This variant has not been reported in the literature in individuals affected with EGLN1-related conditions. For these reasons, this variant has been classified as Pathogenic.

Literature cited by the submitters: PubMed 17933562; PubMed 21933857.